The following is an entry in ClinVar:

NM_005591.4(MRE11):c.580G>T (p.Val194Phe)

Gene: MRE11 (MRE11 double strand break repair nuclease; minus strand). Cytogenetic location: 11q21.
Variant type: single nucleotide variant.
Coding change: c.580G>T on transcript NM_005591.4 (MANE Select); coding-DNA position 580, G replaced by T.
Protein change: p.Val194Phe; replaces valine 194 with phenylalanine.
Molecular consequence: missense variant. On other transcripts: intron variant (3).
Genome position (GRCh38, 1-based): chr11:94,476,368, C>A on the plus strand (G>T on the coding strand, the complement: MRE11 is on the minus strand). VCF-style: chr11-94476368-C-A. GRCh37 (hg19) VCF-style: chr11-94209534-C-A.
Other names: c.580G>T, p.Val194Phe (NM_001330347.2, NM_001440470.1, NM_001440473.1 and 18 more transcripts); c.505G>T, p.Val169Phe (NM_001440471.1, NM_001440472.1, NM_001440479.1); c.112G>T, p.Val38Phe (NM_001440485.1, NM_001440486.1, NM_001440487.1); c.315-4609G>T (NM_001440483.1, NM_001440484.1, NM_001440482.1); short protein forms V169F, V38F, V194F.
Identifiers: ClinVar variation 4110064 (VCV004110064.1).
Genomic context (GRCh38, chr11:94,476,368, plus strand): 5'-ATAAGTTAAACCAAGAGTTCTCATCTTCCTTTGGTCTCAACATTGTTACTTTTTTATTGA[C>A]AAACATTCGATAGAGCCTTTCATCTGGAATGGATCCTGAAATGGACATTACATTATTTTT-3'
Protein context (NP_005582.1, residues 184-204): IPDERLYRMF[Val194Phe]NKKVTMLRPK

ClinVar aggregate classification (germline): Uncertain significance (1 of 4 stars; one submission).

Conditions:
Hereditary cancer-predisposing syndrome. Also called: Tumor predisposition; Neoplastic Syndromes, Hereditary; Hereditary neoplastic syndrome; Hereditary Cancer Syndrome. Identifiers: Orphanet 140162, MedGen C0027672, MeSH D009386, MONDO:0015356.

gnomAD v4.1: 1 of 1,612,712 alleles (0.000062%); highest among the groups gnomAD compares: South Asian, 0.0011%; no homozygotes.

Submission:

Ambry Genetics
Classification: Uncertain significance for Hereditary cancer-predisposing syndrome. Last evaluated: 2025-06-22. Review status: criteria provided, single submitter. Criteria: Ambry Variant Classification Scheme 2023. Collection method: clinical testing. Allele origin: germline.
Comment: The p.V194F variant (also known as c.580G>T), located in coding exon 6 of the MRE11A gene, results from a G to T substitution at nucleotide position 580. The valine at codon 194 is replaced by phenylalanine, an amino acid with highly similar properties. This amino acid position is conserved. In addition, the in silico prediction for this alteration is inconclusive. Based on the available evidence, the clinical significance of this variant remains unclear.